The following is an entry in ClinVar:

NM_001572.5(IRF7):c.1241T>C (p.Leu414Pro)

Gene: IRF7 (interferon regulatory factor 7; minus strand). Cytogenetic location: 11p15.5.
Variant type: single nucleotide variant.
Coding change: c.1241T>C on transcript NM_001572.5 (MANE Select); coding-DNA position 1241, T replaced by C.
Protein change: p.Leu414Pro; replaces leucine 414 with proline.
Molecular consequence: missense variant.
Genome position (GRCh38, 1-based): chr11:613,114, A>G on the plus strand (T>C on the coding strand, the complement: IRF7 is on the minus strand). VCF-style: chr11-613114-A-G. GRCh37 (hg19) VCF-style: chr11-613114-A-G.
Other names: c.1154T>C, p.Leu385Pro (NM_004029.4); c.1280T>C, p.Leu427Pro (NM_004031.4); c.1280T>C (NM_004031.2); short protein forms L427P, L385P, L414P.
Identifiers: ClinVar variation 1468866 (VCV001468866.7), dbSNP rs755896373, ClinGen allele CA5783522.

ClinVar aggregate classification (germline): Uncertain significance. Review status: criteria provided, multiple submitters, no conflicts (2 of 4 stars). 2 submissions from 2 submitters: Uncertain significance (2). Last evaluated 2025-08-01.

Conditions:
Immunodeficiency 39 (IMD39). Identifiers: Orphanet 574918, MedGen C4225358, MONDO:0014597, OMIM 616345.

Allele frequency attached by ClinVar (database versions not stated): TOPMed 0.00002; gnomAD 0.00003.
gnomAD v4.1: 7 of 1,612,742 alleles (0.00043%); highest among the groups gnomAD compares: Non-Finnish European, 0.00059%; no homozygotes.

Submissions (2):

Ambry Genetics
Classification: Uncertain significance. Last evaluated: 2025-08-01. Review status: criteria provided, single submitter. Criteria: Ambry Variant Classification Scheme 2023. Collection method: clinical testing. Allele origin: germline.

Labcorp Genetics (formerly Invitae), Labcorp
Classification: Uncertain significance for Immunodeficiency 39. Last evaluated: 2023-05-19. Review status: criteria provided, single submitter. Criteria: Invitae Variant Classification Sherloc (09022015). Collection method: clinical testing. Allele origin: germline.
Comment: In summary, the available evidence is currently insufficient to determine the role of this variant in disease. Therefore, it has been classified as a Variant of Uncertain Significance. This sequence change replaces leucine, which is neutral and non-polar, with proline, which is neutral and non-polar, at codon 427 of the IRF7 protein (p.Leu427Pro). This variant is not present in population databases (gnomAD no frequency). This variant has not been reported in the literature in individuals affected with IRF7-related conditions. ClinVar contains an entry for this variant (Variation ID: 1468866). Advanced modeling of protein sequence and biophysical properties (such as structural, functional, and spatial information, amino acid conservation, physicochemical variation, residue mobility, and thermodynamic stability) performed at Invitae indicates that this missense variant is expected to disrupt IRF7 protein function.